The following is an entry in ClinVar:

ClinVar aggregate classification (germline): Uncertain significance. Review status: criteria provided, multiple submitters, no conflicts (2 of 4 stars). 6 submissions from 6 submitters: Uncertain significance (6). Last evaluated 2025-08-30.

Conditions:
Imerslund-Grasbeck syndrome type 1 (IGS1). Also called: Megaloblastic anemia 1, Finnish type; MEGALOBLASTIC ANEMIA, 1; Imerslund-Gräsbeck syndrome 1. Identifiers: MedGen C4016819, MONDO:0100156, OMIM 261100.
Imerslund-Grasbeck syndrome. Also called: ENTEROCYTE COBALAMIN MALABSORPTION; ENTEROCYTE INTRINSIC FACTOR RECEPTOR, DEFECT OF; Imerslund-Gräsbeck syndrome; PERNICIOUS ANEMIA, JUVENILE, DUE TO SELECTIVE INTESTINAL MALABSORPTION OF VITAMIN B12, WITH PROTEINURIA; Megaloblastic anemia due to inborn errors of metabolism. Identifiers: Orphanet 35858, MedGen C4551825, MONDO:0009853.

Allele frequency attached by ClinVar (database versions not stated): gnomAD 0.00014 and 0.00016; ExAC 0.00015; ESP Exome Variant Server 0.00015; gnomAD exomes 0.00020; TOPMed 0.00021.
gnomAD v4.1: 282 of 1,613,902 alleles (0.017%); highest among the groups gnomAD compares: Middle Eastern, 0.45%; 2 homozygotes.

Submissions (6):

Labcorp Genetics (formerly Invitae), Labcorp
Classification: Uncertain significance for Imerslund-Grasbeck syndrome. Last evaluated: 2025-08-30. Review status: criteria provided, single submitter. Criteria: Invitae Variant Classification Sherloc (09022015). Collection method: clinical testing. Allele origin: germline.
Comment: This sequence change replaces alanine, which is neutral and non-polar, with threonine, which is neutral and polar, at codon 3140 of the CUBN protein (p.Ala3140Thr). This variant is present in population databases (rs148491916, gnomAD 0.04%). This variant has not been reported in the literature in individuals affected with CUBN-related conditions. ClinVar contains an entry for this variant (Variation ID: 299381). Invitae Evidence Modeling of protein sequence and biophysical properties (such as structural, functional, and spatial information, amino acid conservation, physicochemical variation, residue mobility, and thermodynamic stability) indicates that this missense variant is expected to disrupt CUBN protein function with a positive predictive value of 80%. In summary, the available evidence is currently insufficient to determine the role of this variant in disease. Therefore, it has been classified as a Variant of Uncertain Significance.

Blueprint Genetics
Classification: Uncertain significance. Last evaluated: 2024-11-20. Review status: criteria provided, single submitter. Criteria: ACMG Guidelines, 2015. Collection method: clinical testing. Allele origin: germline.

Department of Pathology and Laboratory Medicine, Sinai Health System
Classification: Uncertain significance for Imerslund-Grasbeck syndrome type 1. Last evaluated: 2023-01-26. Review status: criteria provided, single submitter. Criteria: ACMG Guidelines, 2015. Collection method: research. Allele origin: germline.

ARUP Laboratories, Molecular Genetics and Genomics, ARUP Laboratories
Classification: Uncertain significance. Last evaluated: 2022-03-16. Review status: criteria provided, single submitter. Criteria: ARUP Molecular Germline Variant Investigation Process 2021. Collection method: clinical testing. Allele origin: germline.
Comment: The CUBN c.9418G>A, p.Ala3140Thr variant (rs148491916), to our knowledge, is not reported in the medical literature, but is reported in ClinVar (Variation ID: 299381). This variant is found in the general population with an overall allele frequency of 0.02% (53/282674 alleles) in the Genome Aggregation Database. The alanine at codon 3140 is moderately conserved, and computational analyses are uncertain whether this variant is neutral or deleterious (REVEL: 0.171). Due to limited information, the clinical significance of the p.Ala3140Thr variant is uncertain at this time.

Illumina Laboratory Services, Illumina
Classification: Uncertain significance for Imerslund-Grasbeck syndrome type 1. Last evaluated: 2018-01-12. Review status: criteria provided, single submitter. Criteria: ICSL Variant Classification Criteria 13 December 2019. Collection method: clinical testing. Allele origin: germline.

Breakthrough Genomics
Classification: Uncertain significance. Review status: criteria provided, single submitter. Criteria: ACMG Guidelines, 2015. Collection method: not provided. Allele origin: germline. Inheritance: Autosomal recessive inheritance. Affected: yes.

NM_001081.4(CUBN):c.9418G>A (p.Ala3140Thr)

Gene: CUBN (cubilin; minus strand). Cytogenetic location: 10p13.
Variant type: single nucleotide variant.
Coding change: c.9418G>A on transcript NM_001081.4 (MANE Select); coding-DNA position 9418, G replaced by A.
Protein change: p.Ala3140Thr; replaces alanine 3140 with threonine.
Molecular consequence: missense variant.
Genome position (GRCh38, 1-based): chr10:16,869,672, C>T on the plus strand (G>A on the coding strand, the complement: CUBN is on the minus strand). VCF-style: chr10-16869672-C-T. GRCh37 (hg19) VCF-style: chr10-16911671-C-T.
Other names: short protein forms A3140T.
Identifiers: ClinVar variation 299381 (VCV000299381.13), dbSNP rs148491916, ClinGen allele CA5422716.